The following is an entry in ClinVar:

NM_177438.3(DICER1):c.823G>T (p.Glu275Ter)

Gene: DICER1 (dicer 1, ribonuclease III; minus strand). Cytogenetic location: 14q32.13.
Variant type: single nucleotide variant.
Coding change: c.823G>T on transcript NM_177438.3 (MANE Select); coding-DNA position 823, G replaced by T.
Protein change: p.Glu275Ter; replaces glutamic acid 275 with a stop codon.
Molecular consequence: nonsense.
Genome position (GRCh38, 1-based): chr14:95,126,660, C>A on the plus strand (G>T on the coding strand, the complement: DICER1 is on the minus strand). VCF-style: chr14-95126660-C-A. GRCh37 (hg19) VCF-style: chr14-95592997-C-A.
Other names: c.823G>T, p.Glu275Ter (NM_001195573.1, NM_001271282.3, NM_001291628.2 and 1 more transcripts); short protein forms E275*.
Identifiers: ClinVar variation 477290 (VCV000477290.8), dbSNP rs1555375333, ClinGen allele CA390887630.

ClinVar aggregate classification (germline): Pathogenic (1 of 4 stars; one submission).

Conditions:
DICER1-related tumor predisposition. Also called: DICER1-related pleuropulmonary blastoma cancer predisposition syndrome; DICER1 syndrome. Identifiers: Orphanet 284343, MedGen C3839822, MONDO:0100216.

Allele frequency attached by ClinVar (database versions not stated): gnomAD exomes below 0.00001.
gnomAD v4.1: 1 of 1,588,196 alleles (0.000063%); highest among the groups gnomAD compares: Middle Eastern, 0.017%; no homozygotes.

Submission:

Labcorp Genetics (formerly Invitae), Labcorp
Classification: Pathogenic for DICER1-related tumor predisposition. Last evaluated: 2017-08-16. Review status: criteria provided, single submitter. Criteria: Invitae Variant Classification Sherloc (09022015). Collection method: clinical testing. Allele origin: germline.
Comment: For these reasons, this variant has been classified as Pathogenic. Loss-of-function variants in DICER1 are known to be pathogenic (PMID: 19556464, 21266384). This variant has not been reported in the literature in individuals with DICER1-related disease. This variant is not present in population databases (ExAC no frequency). This sequence change creates a premature translational stop signal (p.Glu275*) in the DICER1 gene. It is expected to result in an absent or disrupted protein product.

Literature cited by the submitters: PubMed 19556464; PubMed 21266384.